The following is an entry in ClinVar:

NM_001374736.1(DST):c.16889A>G (p.Lys5630Arg)

Gene: DST (dystonin; minus strand). Cytogenetic location: 6p12.1.
Variant type: single nucleotide variant.
Coding change: c.16889A>G on transcript NM_001374736.1 (MANE Select); coding-DNA position 16889, A replaced by G.
Protein change: p.Lys5630Arg; replaces lysine 5630 with arginine.
Molecular consequence: missense variant.
Genome position (GRCh38, 1-based): chr6:56,535,174, T>C on the plus strand (A>G on the coding strand, the complement: DST is on the minus strand). VCF-style: chr6-56535174-T-C. GRCh37 (hg19) VCF-style: chr6-56399972-T-C.
Other names: c.10532A>G, p.Lys3511Arg (NM_001144769.5); c.10118A>G, p.Lys3373Arg (NM_001144770.2); c.16889A>G, p.Lys5630Arg (NM_001374722.1); c.16256A>G, p.Lys5419Arg (NM_001374729.1); c.9998A>G, p.Lys3333Arg (NM_001374730.1, NM_001386100.1, NM_183380.4); c.16916A>G, p.Lys5639Arg (NM_001374734.1); c.9020A>G, p.Lys3007Arg (NM_015548.5); short protein forms K3007R, K3333R, K3373R, K3511R, K5419R, K5630R, K5639R.
Identifiers: ClinVar variation 1019085 (VCV001019085.7), dbSNP rs1236590396, ClinGen allele CA364510738.

ClinVar aggregate classification (germline): Uncertain significance (1 of 4 stars; one submission).

Conditions:
Hereditary sensory and autonomic neuropathy type 6. Also called: HSAN VI; Neuropathy, hereditary sensory and autonomic, type VI. Identifiers: Orphanet 314381, MedGen C3539003, MONDO:0013839, OMIM 614653.
Epidermolysis bullosa simplex 3, localized or generalized intermediate, with BP230 deficiency (EBS3). Also called: Epidermolysis bullosa simplex due to BP230 deficiency; Epidermolysis bullosa simplex, autosomal recessive 2. Identifiers: Orphanet 412181, MedGen C3809470, MONDO:0014180, OMIM 615425.

Submission:

Labcorp Genetics (formerly Invitae), Labcorp
Classification: Uncertain significance for Epidermolysis bullosa simplex 3, localized or generalized intermediate, with BP230 deficiency; Hereditary sensory and autonomic neuropathy type 6. Last evaluated: 2020-09-24. Review status: criteria provided, single submitter. Criteria: Invitae Variant Classification Sherloc (09022015). Collection method: clinical testing. Allele origin: germline.
Comment: This sequence change replaces lysine with arginine at codon 3007 of the DST protein (p.Lys3007Arg). The lysine residue is highly conserved and there is a small physicochemical difference between the two amino acids. The DST gene has multiple clinically relevant transcripts. This variant occurs in alternate transcript NM_015548.4, and corresponds to NM_0017283.5:c.*80343A>G in the primary transcript. This variant is not present in population databases (ExAC no frequency). This variant has not been reported in the literature in individuals with DST-related conditions. Experimental studies and prediction algorithms are not available or were not evaluated, and the functional significance of this variant is currently unknown. In summary, the available evidence is currently insufficient to determine the role of this variant in disease. Therefore, it has been classified as a Variant of Uncertain Significance.